The following is an entry in ClinVar:

ClinVar aggregate classification (germline): Uncertain significance. Review status: criteria provided, multiple submitters, no conflicts (2 of 4 stars). 3 submissions from 3 submitters: Uncertain significance (3). Last evaluated 2025-09-14.

Conditions:
Birt-Hogg-Dube syndrome. Also called: Birt Hogg Dubé syndrome. Identifiers: Orphanet 122, MedGen C0346010, MONDO:0800444.
Hereditary cancer-predisposing syndrome. Also called: Hereditary Cancer Syndrome; Neoplastic Syndromes, Hereditary; Hereditary neoplastic syndrome; Tumor predisposition. Identifiers: Orphanet 140162, MedGen C0027672, MeSH D009386, MONDO:0015356.
Birt-Hogg-Dube syndrome 1 (BHD1). Also called: FIBROFOLLICULOMAS WITH TRICHODISCOMAS AND ACROCHORDONS. Identifiers: Orphanet 122, MedGen CN375946, MONDO:0800445, OMIM 135150.

Submissions (3):

Labcorp Genetics (formerly Invitae), Labcorp
Classification: Uncertain significance for Birt-Hogg-Dube syndrome. Last evaluated: 2025-09-14. Review status: criteria provided, single submitter. Criteria: Invitae Variant Classification Sherloc (09022015). Collection method: clinical testing. Allele origin: germline.
Comment: This sequence change replaces glutamic acid, which is acidic and polar, with aspartic acid, which is acidic and polar, at codon 509 of the FLCN protein (p.Glu509Asp). This variant is not present in population databases (gnomAD no frequency). This variant has not been reported in the literature in individuals affected with FLCN-related conditions. ClinVar contains an entry for this variant (Variation ID: 819458). Invitae Evidence Modeling of protein sequence and biophysical properties (such as structural, functional, and spatial information, amino acid conservation, physicochemical variation, residue mobility, and thermodynamic stability) has been performed for this missense variant. However, the output from this modeling did not meet the statistical confidence thresholds required to predict the impact of this variant on FLCN protein function. In summary, the available evidence is currently insufficient to determine the role of this variant in disease. Therefore, it has been classified as a Variant of Uncertain Significance.

Ambry Genetics
Classification: Uncertain significance for Hereditary cancer-predisposing syndrome. Last evaluated: 2025-06-08. Review status: criteria provided, single submitter. Criteria: Ambry Variant Classification Scheme 2023. Collection method: clinical testing. Allele origin: germline.
Comment: The p.E509D variant (also known as c.1527G>T), located in coding exon 10 of the FLCN gene, results from a G to T substitution at nucleotide position 1527. The glutamic acid at codon 509 is replaced by aspartic acid, an amino acid with highly similar properties. This amino acid position is highly conserved in available vertebrate species. In addition, this alteration is predicted to be deleterious by in silico analysis. Since supporting evidence is limited at this time, the clinical significance of this alteration remains unclear.

Baylor Genetics
Classification: Uncertain significance for Birt-Hogg-Dube syndrome 1. Last evaluated: 2024-02-21. Review status: criteria provided, single submitter. Criteria: ACMG Guidelines, 2015. Collection method: clinical testing. Allele origin: unknown.

NM_144997.7(FLCN):c.1527G>T (p.Glu509Asp)

Gene: FLCN (folliculin; minus strand). Cytogenetic location: 17p11.2.
Variant type: single nucleotide variant.
Coding change: c.1527G>T on transcript NM_144997.7 (MANE Select); coding-DNA position 1527, G replaced by T.
Protein change: p.Glu509Asp; replaces glutamic acid 509 with aspartic acid.
Molecular consequence: missense variant.
Genome position (GRCh38, 1-based): chr17:17,214,996, C>A on the plus strand (G>T on the coding strand, the complement: FLCN is on the minus strand). VCF-style: chr17-17214996-C-A. GRCh37 (hg19) VCF-style: chr17-17118310-C-A.
Other names: c.1581G>T, p.Glu527Asp (NM_001353229.2); c.1527G>T, p.Glu509Asp (NM_001353230.2, NM_001353231.2); short protein forms E527D, E509D.
Identifiers: ClinVar variation 819458 (VCV000819458.11), dbSNP rs1597578623, ClinGen allele CA398530710.
Genomic context (GRCh38, chr17:17,214,996, plus strand): 5'-TTTTCTCCAGGGTCGCAAGCAAAGGGGCCTCACCCACACTGTTGCTTACTTCATCCACTC[C>A]TCCTTGAGGCAGACGAGGCACTGGTCCACCACATCCACAGACAGGTTCTGGTTGGTCAGA-3'
Protein context (NP_659434.2, residues 499-519): VVDQCLVCLK[Glu509Asp]EWMNKVKVLF